The following is an entry in ClinVar:

ClinVar aggregate classification (germline): Uncertain significance. Review status: criteria provided, multiple submitters, no conflicts (2 of 4 stars). 2 submissions from 2 submitters: Uncertain significance (2). Last evaluated 2022-12-19.

Conditions:
Immunodeficiency 67. Also called: Immunodeficiency due to interleukin-1 receptor-associated kinase-4 deficiency. Identifiers: Orphanet 70592, MedGen C1843256, MONDO:0011888, OMIM 607676.

Allele frequency attached by ClinVar (database versions not stated): gnomAD exomes below 0.00001; gnomAD 0.00002; TOPMed 0.00005.
gnomAD v4.1: 11 of 1,613,994 alleles (0.00068%); highest among the groups gnomAD compares: Non-Finnish European, 0.00076%; no homozygotes.

Submissions (2):

Blueprint Genetics
Classification: Uncertain significance. Last evaluated: 2022-12-19. Review status: criteria provided, single submitter. Criteria: ACMG Guidelines, 2015. Collection method: clinical testing. Allele origin: germline.

Labcorp Genetics (formerly Invitae), Labcorp
Classification: Uncertain significance for Immunodeficiency 67. Last evaluated: 2021-12-24. Review status: criteria provided, single submitter. Criteria: Invitae Variant Classification Sherloc (09022015). Collection method: clinical testing. Allele origin: germline.
Comment: This sequence change replaces asparagine, which is neutral and polar, with aspartic acid, which is acidic and polar, at codon 78 of the IRAK4 protein (p.Asn78Asp). This variant is present in population databases (no rsID available, gnomAD 0.01%). This variant has not been reported in the literature in individuals affected with IRAK4-related conditions. Algorithms developed to predict the effect of missense changes on protein structure and function are either unavailable or do not agree on the potential impact of this missense change (SIFT: "Tolerated"; PolyPhen-2: "Possibly Damaging"; Align-GVGD: "Class C0"). Algorithms developed to predict the effect of sequence changes on RNA splicing suggest that this variant may create or strengthen a splice site. In summary, the available evidence is currently insufficient to determine the role of this variant in disease. Therefore, it has been classified as a Variant of Uncertain Significance.

NM_016123.4(IRAK4):c.232A>G (p.Asn78Asp)

Gene: IRAK4 (interleukin 1 receptor associated kinase 4; plus strand). Cytogenetic location: 12q12.
Variant type: single nucleotide variant.
Coding change: c.232A>G on transcript NM_016123.4 (MANE Select); coding-DNA position 232, A replaced by G.
Protein change: p.Asn78Asp; replaces asparagine 78 with aspartic acid.
Molecular consequence: missense variant. On other transcripts: 5 prime UTR variant (4), intron variant (6).
Genome position (GRCh38, 1-based): chr12:43,771,290, A>G. VCF-style: chr12-43771290-A-G. GRCh37 (hg19) VCF-style: chr12-44165093-A-G.
Other names: c.232A>G, p.Asn78Asp (NM_001114182.3, NM_001351345.2); c.-141A>G (NM_001351339.2, NM_001351340.2, NM_001351341.2 and 1 more transcripts); c.-65-890A>G (NM_001351338.2, NM_001145256.2, NM_001145257.2 and 1 more transcripts); c.-216-890A>G (NM_001351343.2, NM_001351344.2); short protein forms N78D.
Identifiers: ClinVar variation 1953395 (VCV001953395.5), dbSNP rs901161233, ClinGen allele CA236371384.